The following is an entry in ClinVar:

ClinVar aggregate classification (germline): Conflicting classifications of pathogenicity. Review status: criteria provided, conflicting classifications (1 of 4 stars). 2 submissions from 2 submitters: Likely pathogenic (1); Uncertain significance (1). Last evaluated 2025-09-21.

Conditions:
Dilated cardiomyopathy 1G (CMD1G). Identifiers: Orphanet 154, MedGen C1858763, MONDO:0011400, OMIM 604145.
Autosomal recessive limb-girdle muscular dystrophy type 2J (LGMDR10). Also called: Limb-girdle muscular dystrophy, type 2J; MUSCULAR DYSTROPHY, LIMB-GIRDLE, AUTOSOMAL RECESSIVE 10. Identifiers: Orphanet 140922, MedGen C1837342, MONDO:0012127, OMIM 608807.
Primary dilated cardiomyopathy (DCM). Also called: Dilated Cardiomyopathy. Identifiers: Orphanet 217604, MedGen C0007193, MeSH D002311, MONDO:0005021, HP:0001644. Inheritance: Various modes of inheritance.

Allele frequency attached by ClinVar (database versions not stated): gnomAD exomes 0.00001.
gnomAD v4.1: 9 of 1,520,030 alleles (0.00059%); highest among the groups gnomAD compares: Non-Finnish European, 0.00079%; no homozygotes.

Submissions (2):

Labcorp Genetics (formerly Invitae), Labcorp
Classification: Likely pathogenic for Dilated cardiomyopathy 1G; Autosomal recessive limb-girdle muscular dystrophy type 2J. Last evaluated: 2025-09-21. Review status: criteria provided, single submitter. Criteria: Invitae Variant Classification Sherloc (09022015). Collection method: clinical testing. Allele origin: germline.
Comment: This sequence change affects an acceptor splice site in intron 113 of the TTN gene. It is expected to disrupt RNA splicing and likely results in a truncated or disrupted TTN protein. This variant is not present in population databases (gnomAD no frequency). This variant has not been reported in the literature in individuals affected with TTN-related conditions. ClinVar contains an entry for this variant (Variation ID: 223334). Algorithms developed to predict the effect of sequence changes on RNA splicing suggest that this variant may disrupt the consensus splice site. This variant is located in the I band of TTN (PMID: 25589632). Truncating variants in this region have been reported in individuals affected with autosomal recessive centronuclear myopathy (PMID: 23975875, internal data). Truncating variants in this region have also been identified in individuals affected with autosomal dominant dilated cardiomyopathy and/or cardio-related conditions (PMID: 27869827, 32964742, internal data). In summary, the currently available evidence indicates that the variant is pathogenic, but additional data are needed to prove that conclusively. Therefore, this variant has been classified as Likely Pathogenic.

Cardiovascular Biomedical Research Unit, Royal Brompton & Harefield NHS Foundation Trust
Classification: Uncertain significance for Primary dilated cardiomyopathy. Last evaluated: 2014-10-08. Review status: criteria provided, single submitter. Criteria: Roberts et al. 2015. Collection method: research. Allele origin: germline. Inheritance: Autosomal dominant inheritance. Affected: no. Observed: 1 variant allele. Study: Healthy Volunteers.
Comment: In the seven cohorts assessed, TTNtv were found in 14% of ambulant DCM, 22% end-stage or familial DCM, and 2% controls. Heterozygous nonsense, frameshift and canonical splice-disrupting variants found in constitutive and other highly utilised exons are highly likely to be pathogenic when identified in individuals with phenotypically confirmed DCM. TTNtv found incidentally in healthy individuals (excluding familial assessment of DCM relatives) are thought to have low penetrance, particularly when identified in exons that are not constitutively expressed in the heart.

Literature cited by the submitters: PubMed 25589632 (cited by Labcorp Genetics (formerly Invitae), Labcorp); PubMed 23975875 (cited by Labcorp Genetics (formerly Invitae), Labcorp); PubMed 27869827 (cited by Labcorp Genetics (formerly Invitae), Labcorp); PubMed 32964742 (cited by Labcorp Genetics (formerly Invitae), Labcorp).

NM_001267550.2(TTN):c.30803-2A>G

Gene: TTN (titin; minus strand). Cytogenetic location: 2q31.2.
Variant type: single nucleotide variant.
Coding change: c.30803-2A>G on transcript NM_001267550.2 (MANE Select); the canonical splice acceptor site of the intron before coding-DNA position 30803, A replaced by G.
Molecular consequence: splice acceptor variant. On other transcripts: intron variant (3).
Genome position (GRCh38, 1-based): chr2:178,696,271, T>C on the plus strand (A>G on the coding strand, the complement: TTN is on the minus strand). VCF-style: chr2-178696271-T-C. GRCh37 (hg19) VCF-style: chr2-179560998-T-C.
Other names: c.30803-2A>G (LRG_391t1); c.13282+41811A>G (NM_003319.4); c.13858+41811A>G (NM_133437.4); c.13657+41811A>G (NM_133432.3); c.27071-2A>G (NM_133378.4); c.29852-2A>G (NM_001256850.1).
Identifiers: ClinVar variation 223334 (VCV000223334.2), dbSNP rs869312089, ClinGen allele CA353173.